The following is an entry in ClinVar:

NM_006231.4(POLE):c.6022T>C (p.Tyr2008His)

Gene: POLE (DNA polymerase epsilon, catalytic subunit; minus strand). Cytogenetic location: 12q24.33.
Variant type: single nucleotide variant.
Coding change: c.6022T>C on transcript NM_006231.4 (MANE Select); coding-DNA position 6022, T replaced by C.
Protein change: p.Tyr2008His; replaces tyrosine 2008 with histidine.
Molecular consequence: missense variant.
Genome position (GRCh38, 1-based): chr12:132,632,778, A>G on the plus strand (T>C on the coding strand, the complement: POLE is on the minus strand). VCF-style: chr12-132632778-A-G. GRCh37 (hg19) VCF-style: chr12-133209364-A-G.
Other names: short protein forms Y2008H.
Identifiers: ClinVar variation 1464760 (VCV001464760.8), dbSNP rs2138465382, ClinGen allele CA387370882.
Genomic context (GRCh38, chr12:132,632,778, plus strand): 5'-TCCTCCTCACGGGGGTGCTCCCTGGAGCACTGCGCCTCAGCCCGTCCTTCATGCAGTGGT[A>G]CACGGCCACGATGTACGCTGTGGAGAGGCACACACACCACAGGCCCTGAGTCGGGCTGCT-3'
Protein context (NP_006222.2, residues 1998-2018): MIVSAYIVAV[Tyr2008His]HCMKDGLRRS

ClinVar aggregate classification (germline): Uncertain significance (1 of 4 stars; one submission).

Submission:

Labcorp Genetics (formerly Invitae), Labcorp
Classification: Uncertain significance. Last evaluated: 2023-12-01. Review status: criteria provided, single submitter. Criteria: Invitae Variant Classification Sherloc (09022015). Collection method: clinical testing. Allele origin: germline.
Comment: This sequence change replaces tyrosine, which is neutral and polar, with histidine, which is basic and polar, at codon 2008 of the POLE protein (p.Tyr2008His). This variant is not present in population databases (gnomAD no frequency). This variant has not been reported in the literature in individuals affected with POLE-related conditions. ClinVar contains an entry for this variant (Variation ID: 1464760). Advanced modeling of protein sequence and biophysical properties (such as structural, functional, and spatial information, amino acid conservation, physicochemical variation, residue mobility, and thermodynamic stability) performed at Invitae indicates that this missense variant is not expected to disrupt POLE protein function with a negative predictive value of 80%. In summary, the available evidence is currently insufficient to determine the role of this variant in disease. Therefore, it has been classified as a Variant of Uncertain Significance.